The following is an entry in ClinVar:

ClinVar aggregate classification (germline): Uncertain significance (1 of 4 stars; one submission).

Conditions:
Rhabdoid tumor predisposition syndrome 2 (RTPS2). Identifiers: Orphanet 231108, Orphanet 69077, MedGen C2750074, MONDO:0013224, OMIM 613325.

Submission:

Labcorp Genetics (formerly Invitae), Labcorp
Classification: Uncertain significance for Rhabdoid tumor predisposition syndrome 2. Last evaluated: 2023-03-23. Review status: criteria provided, single submitter. Criteria: Invitae Variant Classification Sherloc (09022015). Collection method: clinical testing. Allele origin: germline.
Comment: In summary, the available evidence is currently insufficient to determine the role of this variant in disease. Therefore, it has been classified as a Variant of Uncertain Significance. Experimental studies and prediction algorithms are not available or were not evaluated, and the functional significance of this variant is currently unknown. This variant has not been reported in the literature in individuals affected with SMARCA4-related conditions. This variant results in a copy number gain of the genomic region encompassing exon(s) 12-36 of the SMARCA4 gene. This region includes the termination codon of the gene. This copy number gain extends beyond the assayed region for this gene and therefore may encompass additional genes. As the precise location of this event is unknown, it may be in tandem or it may be located elsewhere in the genome.

NC_000019.9:g.(?_11113695)_(11172492_?)dup

Gene: SMARCA4 (SWI/SNF related BAF chromatin remodeling complex subunit ATPase 4; plus strand). Cytogenetic location: 19p13.2.
Variant type: Duplication.
Identifiers: ClinVar variation 2423776 (VCV002423776.4).